The following is an entry in ClinVar:

NM_000059.4(BRCA2):c.3592A>G (p.Asn1198Asp)

Gene: BRCA2 (BRCA2 DNA repair associated; plus strand). Cytogenetic location: 13q13.1.
Variant type: single nucleotide variant.
Coding change: c.3592A>G on transcript NM_000059.4 (MANE Select); coding-DNA position 3592, A replaced by G.
Protein change: p.Asn1198Asp; replaces asparagine 1198 with aspartic acid.
Molecular consequence: missense variant.
Genome position (GRCh38, 1-based): chr13:32,337,947, A>G. VCF-style: chr13-32337947-A-G. GRCh37 (hg19) VCF-style: chr13-32912084-A-G.
Other names: short protein forms N1198D.
Identifiers: ClinVar variation 1472189 (VCV001472189.5), dbSNP rs2137498140, ClinGen allele CA387777443.

ClinVar aggregate classification (germline): Conflicting classifications of pathogenicity. Review status: criteria provided, conflicting classifications (1 of 4 stars). 2 submissions from 2 submitters: Uncertain significance (1); Likely benign (1). Last evaluated 2023-03-23.

Conditions:
Hereditary cancer-predisposing syndrome. Also called: Neoplastic Syndromes, Hereditary; Hereditary Cancer Syndrome; Tumor predisposition; Hereditary neoplastic syndrome. Identifiers: Orphanet 140162, MedGen C0027672, MeSH D009386, MONDO:0015356.
Hereditary breast ovarian cancer syndrome. Also called: Breast and ovarian cancer; Hereditary breast and ovarian cancer; Hereditary breast and ovarian cancer syndrome; Hereditary breast and ovarian cancer syndrome (HBOC); BRCA1- and BRCA2-Associated Hereditary Breast and Ovarian Cancer; Hereditary breast and/or ovarian cancer syndrome. Identifiers: Orphanet 145, MedGen C0677776, MeSH D061325, MONDO:0003582. Disease mechanism: loss of function.

Submissions (2):

University of Washington Department of Laboratory Medicine, University of Washington
Classification: Likely benign for Hereditary cancer-predisposing syndrome. Last evaluated: 2023-03-23. Review status: criteria provided, single submitter. Criteria: Dines et al. (Genet Med. 2020). Collection method: curation. Allele origin: germline.
Comment: Missense variant in a coldspot region where missense variants are very unlikely to be pathogenic (PMID:31911673).

BRCA2 exon 11 coldspot. Reclassification based on statistical prior probability.

Labcorp Genetics (formerly Invitae), Labcorp
Classification: Uncertain significance for Hereditary breast ovarian cancer syndrome. Last evaluated: 2021-11-08. Review status: criteria provided, single submitter. Criteria: Invitae Variant Classification Sherloc (09022015). Collection method: clinical testing. Allele origin: germline.
Comment: In summary, the available evidence is currently insufficient to determine the role of this variant in disease. Therefore, it has been classified as a Variant of Uncertain Significance. Algorithms developed to predict the effect of sequence changes on RNA splicing suggest that this variant may create or strengthen a splice site. Advanced modeling of protein sequence and biophysical properties (such as structural, functional, and spatial information, amino acid conservation, physicochemical variation, residue mobility, and thermodynamic stability) performed at Invitae indicates that this missense variant is not expected to disrupt BRCA2 protein function. This variant has not been reported in the literature in individuals affected with BRCA2-related conditions. This variant is not present in population databases (gnomAD no frequency). This sequence change replaces asparagine, which is neutral and polar, with aspartic acid, which is acidic and polar, at codon 1198 of the BRCA2 protein (p.Asn1198Asp).